The following is an entry in ClinVar:

ClinVar aggregate classification (germline): Uncertain significance (1 of 4 stars; one submission).

Submission:

GeneDx
Classification: Uncertain significance. Last evaluated: 2024-05-30. Review status: criteria provided, single submitter. Criteria: GeneDx Variant Classification Process June 2021. Collection method: clinical testing. Allele origin: germline. Affected: yes.
Comment: Not observed at significant frequency in large population cohorts (gnomAD); In silico analysis supports that this missense variant has a deleterious effect on protein structure/function; Has not been previously published as pathogenic or benign to our knowledge

NM_020987.5(ANK3):c.10860C>G (p.Ser3620Arg)

Gene: ANK3 (ankyrin 3; minus strand). Cytogenetic location: 10q21.2.
Variant type: single nucleotide variant.
Coding change: c.10860C>G on transcript NM_020987.5 (MANE Select); coding-DNA position 10860, C replaced by G.
Protein change: p.Ser3620Arg; replaces serine 3620 with arginine.
Molecular consequence: missense variant. On other transcripts: intron variant (4).
Genome position (GRCh38, 1-based): chr10:60,070,021, G>C on the plus strand (C>G on the coding strand, the complement: ANK3 is on the minus strand). VCF-style: chr10-60070021-G-C. GRCh37 (hg19) VCF-style: chr10-61829779-G-C.
Other names: c.4388-2012C>G (NM_001204403.2); c.4409-2012C>G (NM_001204404.2); c.4406-2012C>G (NM_001320874.2); c.1808-2012C>G (NM_001149.4); short protein forms S3620R.
Identifiers: ClinVar variation 3383815 (VCV003383815.1).